The following is an entry in ClinVar:

NM_025114.4(CEP290):c.250+2T>G

Gene: CEP290 (centrosomal protein 290; minus strand). Cytogenetic location: 12q21.32.
Variant type: single nucleotide variant.
Coding change: c.250+2T>G on transcript NM_025114.4 (MANE Select); the canonical splice donor site of the intron after coding-DNA position 250, T replaced by G.
Molecular consequence: splice donor variant.
Genome position (GRCh38, 1-based): chr12:88,139,493, A>C on the plus strand (T>G on the coding strand, the complement: CEP290 is on the minus strand). VCF-style: chr12-88139493-A-C. GRCh37 (hg19) VCF-style: chr12-88533270-A-C.
Identifiers: ClinVar variation 3753265 (VCV003753265.2).

ClinVar aggregate classification (germline): Pathogenic (1 of 4 stars; one submission).

Conditions:
Joubert syndrome. Also called: CEREBELLOPARENCHYMAL DISORDER IV; JOUBERT-BOLTSHAUSER SYNDROME; Familial aplasia of the vermis. Identifiers: Orphanet 475, MedGen C5979921, MONDO:0018772.
Nephronophthisis. Also called: Juvenile Nephronophthisis. Identifiers: Orphanet 655, MedGen C0687120, MONDO:0019005, HP:0000090.
Meckel-Gruber syndrome. Also called: DYSENCEPHALIA SPLANCHNOCYSTICA; GRUBER SYNDROME; Dysencephalia splachnocystica. Identifiers: Orphanet 564, MedGen C0265215, MONDO:0018921.

Submission:

Labcorp Genetics (formerly Invitae), Labcorp
Classification: Pathogenic for Joubert syndrome; Meckel-Gruber syndrome; Nephronophthisis. Last evaluated: 2024-12-31. Review status: criteria provided, single submitter. Criteria: Invitae Variant Classification Sherloc (09022015). Collection method: clinical testing. Allele origin: germline.
Comment: This sequence change affects a donor splice site in intron 4 of the CEP290 gene. It is expected to disrupt RNA splicing. Variants that disrupt the donor or acceptor splice site typically lead to a loss of protein function (PMID: 16199547), and loss-of-function variants in CEP290 are known to be pathogenic (PMID: 16909394, 17345604, 20690115). This variant is not present in population databases (gnomAD no frequency). Disruption of this splice site has been observed in individual(s) with retinitis pigmentosa (PMID: 33105651). In at least one individual the data is consistent with being in trans (on the opposite chromosome) from a pathogenic variant. Algorithms developed to predict the effect of sequence changes on RNA splicing suggest that this variant may disrupt the consensus splice site. For these reasons, this variant has been classified as Pathogenic.

Literature cited by the submitters: PubMed 16199547; PubMed 16909394; PubMed 17345604; PubMed 20690115; PubMed 33105651.